The following is an entry in ClinVar:

ClinVar aggregate classification (germline): Uncertain significance (1 of 4 stars; one submission).

Conditions:
Familial adenomatous polyposis 1 (FAP1). Also called: FAMILIAL ADENOMATOUS POLYPOSIS 1, ATTENUATED; POLYPOSIS, ADENOMATOUS INTESTINAL. Identifiers: MedGen C2713442, MONDO:0021056, OMIM 175100. Disease mechanism: loss of function.

Allele frequency attached by ClinVar (database versions not stated): gnomAD 0.00001.
gnomAD v4.1: 3 of 1,334,422 alleles (0.00022%); highest among the groups gnomAD compares: Admixed American, 0.0044%; no homozygotes.

Submission:

Labcorp Genetics (formerly Invitae), Labcorp
Classification: Uncertain significance for Familial adenomatous polyposis 1. Last evaluated: 2025-08-06. Review status: criteria provided, single submitter. Criteria: Invitae Variant Classification Sherloc (09022015). Collection method: clinical testing. Allele origin: germline.
Comment: This variant occurs in a non-coding region of the APC gene. It does not change the encoded amino acid sequence of the APC protein. This variant is present in population databases (no rsID available, gnomAD 0.1%). This variant has not been reported in the literature in individuals affected with APC-related conditions. ClinVar contains an entry for this variant (Variation ID: 537698). Experimental studies and prediction algorithms are not available or were not evaluated, and the functional significance of this variant is currently unknown. In summary, the available evidence is currently insufficient to determine the role of this variant in disease. Therefore, it has been classified as a Variant of Uncertain Significance.

NM_001127511.3(APC):c.-86G>C

Gene: APC (APC regulator of Wnt signaling pathway; plus strand). Cytogenetic location: 5q22.2.
Variant type: single nucleotide variant.
Coding change: c.-86G>C on transcript NM_001127511.3; 86 bases upstream of the start codon, G replaced by C.
Molecular consequence: 5 prime UTR variant. On other transcripts: non-coding transcript variant (2).
Genome position (GRCh38, 1-based): chr5:112,707,632, G>C. VCF-style: chr5-112707632-G-C. GRCh37 (hg19) VCF-style: chr5-112043329-G-C.
Other names: c.-269G>C (NM_001354895.2, NM_001407447.1, NM_001407452.1 and 3 more transcripts); c.-86G>C (NM_001354897.2, NM_001354902.2, NM_001407446.1); c.-36G>C (NM_001407448.1, NM_001407450.1, NM_001407457.1 and 1 more transcripts); c.-60G>C (NM_001407453.1); c.-1304G>C (NM_001407470.1, NM_001407472.1).
Identifiers: ClinVar variation 537698 (VCV000537698.12), dbSNP rs926522652, ClinGen allele CA561890258.